The following is an entry in ClinVar:

NM_133433.4(NIPBL):c.3630G>A (p.Leu1210=)

Gene: NIPBL (NIPBL cohesin loading factor; plus strand). Cytogenetic location: 5p13.2.
Variant type: single nucleotide variant.
Coding change: c.3630G>A on transcript NM_133433.4 (MANE Select); coding-DNA position 3630, G replaced by A.
Protein change: p.Leu1210=; no amino-acid change (leucine 1210 retained).
Molecular consequence: synonymous variant.
Genome position (GRCh38, 1-based): chr5:37,001,044, G>A. VCF-style: chr5-37001044-G-A. GRCh37 (hg19) VCF-style: chr5-37001146-G-A.
Other names: c.3630G>A, p.Leu1210= (NM_015384.5).
Identifiers: ClinVar variation 588129 (VCV000588129.38), dbSNP rs372752190, ClinGen allele CA3236392.

ClinVar aggregate classification (germline): Likely benign. Review status: criteria provided, multiple submitters, no conflicts (2 of 4 stars). 4 submissions from 4 submitters: Likely benign (4). Last evaluated 2026-03-01.

Conditions:
Inborn genetic diseases. Identifiers: MedGen C0950123, MeSH D030342.
Cornelia de Lange syndrome 1 (CDLS1). Also called: TYPUS DEGENERATIVUS AMSTELODAMENSIS; Brachmann de Lange syndrome; NIPBL-Related Cornelia de Lange Syndrome. Identifiers: Orphanet 199, MedGen C4551851, MONDO:0007387, OMIM 122470.

Allele frequency attached by ClinVar (database versions not stated): gnomAD 0.00001; TOPMed 0.00002; gnomAD exomes 0.00004 and 0.00008; ExAC 0.00007; ESP Exome Variant Server 0.00008.
gnomAD v4.1: 72 of 1,610,836 alleles (0.0045%); highest among the groups gnomAD compares: Admixed American, 0.01%; no homozygotes.

Submissions (4):

CeGaT Center for Human Genetics Tuebingen
Classification: Likely benign. Last evaluated: 2026-03-01. Review status: criteria provided, single submitter. Criteria: CeGaT Center For Human Genetics Tuebingen Variant Classification Criteria Version 2. Collection method: clinical testing. Allele origin: germline. Affected: yes. Observed: 6 variant alleles.
Comment: NIPBL: BP4, BP7

Labcorp Genetics (formerly Invitae), Labcorp
Classification: Likely benign for Cornelia de Lange syndrome 1. Last evaluated: 2025-11-17. Review status: criteria provided, single submitter. Criteria: Invitae Variant Classification Sherloc (09022015). Collection method: clinical testing. Allele origin: germline.

Blueprint Genetics
Classification: Likely benign. Last evaluated: 2024-10-14. Review status: criteria provided, single submitter. Criteria: ACMG Guidelines, 2015. Collection method: clinical testing. Allele origin: germline.

Ambry Genetics
Classification: Likely benign for Inborn genetic diseases. Last evaluated: 2016-08-04. Review status: criteria provided, single submitter. Criteria: Ambry Variant Classification Scheme 2023. Collection method: clinical testing. Allele origin: germline.